The following is an entry in ClinVar:

NM_001042681.2(RERE):c.964G>A (p.Val322Ile)

Gene: RERE (arginine-glutamic acid dipeptide repeats; minus strand). Cytogenetic location: 1p36.23.
Variant type: single nucleotide variant.
Coding change: c.964G>A on transcript NM_001042681.2 (MANE Select); coding-DNA position 964, G replaced by A.
Protein change: p.Val322Ile; replaces valine 322 with isoleucine.
Molecular consequence: missense variant.
Genome position (GRCh38, 1-based): chr1:8,497,445, C>T on the plus strand (G>A on the coding strand, the complement: RERE is on the minus strand). VCF-style: chr1-8497445-C-T. GRCh37 (hg19) VCF-style: chr1-8557505-C-T.
Other names: c.964G>A, p.Val322Ile (NM_012102.4); short protein forms V322I.
Identifiers: ClinVar variation 2638181 (VCV002638181.24), dbSNP rs938738367, ClinGen allele CA17737134.

ClinVar aggregate classification (germline): Uncertain significance (1 of 4 stars; one submission).

Allele frequency attached by ClinVar (database versions not stated): gnomAD 0.00001; TOPMed 0.00001.
gnomAD v4.1: 3 of 1,614,084 alleles (0.00019%); highest among the groups gnomAD compares: Non-Finnish European, 0.00025%; no homozygotes.

Submission:

CeGaT Center for Human Genetics Tuebingen
Classification: Uncertain significance. Last evaluated: 2023-06-01. Review status: criteria provided, single submitter. Criteria: CeGaT Center For Human Genetics Tuebingen Variant Classification Criteria Version 2. Collection method: clinical testing. Allele origin: germline. Affected: yes. Observed: 1 variant allele.
Comment: RERE: PM2:Supporting